The following is an entry in ClinVar:

ClinVar aggregate classification (germline): Uncertain significance (1 of 4 stars; one submission).

Conditions:
CIC-related disorder. Also called: CIC-related condition.

Allele frequency attached by ClinVar (database versions not stated): gnomAD 0.00005; TOPMed 0.00006; gnomAD exomes 0.00007.
gnomAD v4.1: 24 of 399,330 alleles (0.006%); highest among the groups gnomAD compares: Non-Finnish European, 0.01%; no homozygotes.

Submission:

PreventionGenetics, part of Exact Sciences
Classification: Uncertain significance for CIC-related condition. Last evaluated: 2026-05-14. Review status: criteria provided, single submitter. Criteria: ACMG Guidelines, 2015. Collection method: clinical testing. Allele origin: germline.
Comment: The CIC c.163G>A variant is predicted to result in the amino acid substitution p.Gly55Arg. To our knowledge, this variant has not been reported in the literature. This variant is reported in 0.0063% of alleles in individuals of European (Non-Finnish) descent in gnomAD. At this time, the clinical significance of this variant is uncertain due to the absence of conclusive functional and genetic evidence.

NM_001386298.1(CIC):c.163G>A (p.Gly55Arg)

Gene: CIC (capicua transcriptional repressor; plus strand). Cytogenetic location: 19q13.2.
Variant type: single nucleotide variant.
Coding change: c.163G>A on transcript NM_001386298.1 (MANE Select); coding-DNA position 163, G replaced by A.
Protein change: p.Gly55Arg; replaces glycine 55 with arginine.
Molecular consequence: missense variant.
Genome position (GRCh38, 1-based): chr19:42,271,946, G>A. VCF-style: chr19-42271946-G-A. GRCh37 (hg19) VCF-style: chr19-42776098-G-A.
Other names: c.163G>A, p.Gly55Arg (NM_001304815.2, NM_001379480.1, NM_001379482.1 and 1 more transcripts); short protein forms G55R.
Identifiers: ClinVar variation 3055109 (VCV003055109.3), dbSNP rs772725296, ClinGen allele CA308614354.